The following is an entry in ClinVar:

ClinVar aggregate classification (germline): Uncertain significance (1 of 4 stars; one submission).

Allele frequency attached by ClinVar (database versions not stated): gnomAD exomes below 0.00001; ExAC 0.00001; gnomAD 0.00001; 1000 Genomes Project 0.00020; 1000 Genomes Project 30x 0.00031.

Submission:

Labcorp Genetics (formerly Invitae), Labcorp
Classification: Uncertain significance. Last evaluated: 2021-09-17. Review status: criteria provided, single submitter. Criteria: Invitae Variant Classification Sherloc (09022015). Collection method: clinical testing. Allele origin: germline.
Comment: This sequence change replaces threonine with isoleucine at codon 276 of the GNPTG protein (p.Thr276Ile). The threonine residue is moderately conserved and there is a moderate physicochemical difference between threonine and isoleucine. This variant is present in population databases (rs540914235, ExAC 0.009%). This variant has not been reported in the literature in individuals with GNPTG-related conditions. Algorithms developed to predict the effect of missense changes on protein structure and function (SIFT, PolyPhen-2, Align-GVGD) all suggest that this variant is likely to be tolerated, but these predictions have not been confirmed by published functional studies and their clinical significance is uncertain. In summary, the available evidence is currently insufficient to determine the role of this variant in disease. Therefore, it has been classified as a Variant of Uncertain Significance.

NM_032520.5(GNPTG):c.827C>T (p.Thr276Ile)

Gene: GNPTG (N-acetylglucosamine-1-phosphate transferase subunit gamma; plus strand). Cytogenetic location: 16p13.3.
Variant type: single nucleotide variant.
Coding change: c.827C>T on transcript NM_032520.5 (MANE Select); coding-DNA position 827, C replaced by T.
Protein change: p.Thr276Ile; replaces threonine 276 with isoleucine.
Molecular consequence: missense variant.
Genome position (GRCh38, 1-based): chr16:1,363,000, C>T. VCF-style: chr16-1363000-C-T. GRCh37 (hg19) VCF-style: chr16-1413001-C-T.
Other names: short protein forms T276I.
Identifiers: ClinVar variation 1418762 (VCV001418762.5), dbSNP rs540914235, ClinGen allele CA7807993.